The following is an entry in ClinVar:

NM_002296.4(LBR):c.48G>A (p.Trp16Ter)

Gene: LBR (lamin B receptor; minus strand). Cytogenetic location: 1q42.12.
Variant type: single nucleotide variant.
Coding change: c.48G>A on transcript NM_002296.4 (MANE Select); coding-DNA position 48, G replaced by A.
Protein change: p.Trp16Ter; replaces tryptophan 16 with a stop codon.
Molecular consequence: nonsense.
Genome position (GRCh38, 1-based): chr1:225,424,028, C>T on the plus strand (G>A on the coding strand, the complement: LBR is on the minus strand). VCF-style: chr1-225424028-C-T. GRCh37 (hg19) VCF-style: chr1-225611730-C-T.
Other names: c.48G>A, p.Trp16Ter (NM_194442.3); short protein forms W16*.
Identifiers: ClinVar variation 4538625 (VCV004538625.1).

ClinVar aggregate classification (germline): Pathogenic (1 of 4 stars; one submission).

gnomAD v4.1: 1 of 1,614,076 alleles (0.000062%); highest among the groups gnomAD compares: Non-Finnish European, 0.000085%; no homozygotes.

Submission:

GeneDx
Classification: Pathogenic. Last evaluated: 2025-06-19. Review status: criteria provided, single submitter. Criteria: GeneDx Variant Classification Process June 2021. Collection method: clinical testing. Allele origin: germline. Affected: yes.
Comment: Has not been previously published as pathogenic or benign to our knowledge; Nonsense variant predicted to result in protein truncation or nonsense mediated decay in a gene for which loss of function is a known mechanism of disease; Not observed at significant frequency in large population cohorts (gnomAD)